The following is an entry in ClinVar:

NM_170606.3(KMT2C):c.13966G>A (p.Ala4656Thr)

Gene: KMT2C (lysine methyltransferase 2C; minus strand). Cytogenetic location: 7q36.1.
Variant type: single nucleotide variant.
Coding change: c.13966G>A on transcript NM_170606.3 (MANE Select); coding-DNA position 13966, G replaced by A.
Protein change: p.Ala4656Thr; replaces alanine 4656 with threonine.
Molecular consequence: missense variant.
Genome position (GRCh38, 1-based): chr7:152,146,664, C>T on the plus strand (G>A on the coding strand, the complement: KMT2C is on the minus strand). VCF-style: chr7-152146664-C-T. GRCh37 (hg19) VCF-style: chr7-151843749-C-T.
Other names: short protein forms A4656T.
Identifiers: ClinVar variation 2431792 (VCV002431792.1), dbSNP rs2129094052, ClinGen allele CA370088476.

ClinVar aggregate classification (germline): Uncertain significance (1 of 4 stars; one submission).

Conditions:
Kleefstra syndrome 2 (KLEFS2). Identifiers: MedGen C4540395, MONDO:0054701, OMIM 617768.

Submission:

Laboratorio de Genetica e Diagnostico Molecular, Hospital Israelita Albert Einstein
Classification: Uncertain significance for Kleefstra syndrome 2. Last evaluated: 2022-09-23. Review status: criteria provided, single submitter. Criteria: ACMG Guidelines, 2015. Collection method: clinical testing. Allele origin: germline. Affected: yes. Observed: 1 variant allele.
Comment: ACMG classification criteria: PM2 moderated, BP4 supporting